The following is an entry in ClinVar:

NM_000171.4(GLRA1):c.805T>C (p.Ser269Pro)

Gene: GLRA1 (glycine receptor alpha 1; minus strand). Cytogenetic location: 5q33.1.
Variant type: single nucleotide variant.
Coding change: c.805T>C on transcript NM_000171.4 (MANE Select); coding-DNA position 805, T replaced by C.
Protein change: p.Ser269Pro; replaces serine 269 with proline.
Molecular consequence: missense variant.
Genome position (GRCh38, 1-based): chr5:151,851,497, A>G on the plus strand (T>C on the coding strand, the complement: GLRA1 is on the minus strand). VCF-style: chr5-151851497-A-G. GRCh37 (hg19) VCF-style: chr5-151231058-A-G.
Other names: c.805T>C, p.Ser269Pro (NM_001146040.2); c.556T>C, p.Ser186Pro (NM_001292000.2); short protein forms S186P, S269P.
Identifiers: ClinVar variation 3660500 (VCV003660500.2).

ClinVar aggregate classification (germline): Uncertain significance (1 of 4 stars; one submission).

Conditions:
Hereditary hyperekplexia. Identifiers: Orphanet 3197, MedGen C4084968, MONDO:0021022.

Submission:

Labcorp Genetics (formerly Invitae), Labcorp
Classification: Uncertain significance for Hereditary hyperekplexia. Last evaluated: 2024-07-24. Review status: criteria provided, single submitter. Criteria: Invitae Variant Classification Sherloc (09022015). Collection method: clinical testing. Allele origin: germline.
Comment: This sequence change replaces serine, which is neutral and polar, with proline, which is neutral and non-polar, at codon 269 of the GLRA1 protein (p.Ser269Pro). This variant is not present in population databases (gnomAD no frequency). This variant has not been reported in the literature in individuals affected with GLRA1-related conditions. Advanced modeling of protein sequence and biophysical properties (such as structural, functional, and spatial information, amino acid conservation, physicochemical variation, residue mobility, and thermodynamic stability) performed at Invitae indicates that this missense variant is expected to disrupt GLRA1 protein function with a positive predictive value of 95%. In summary, the available evidence is currently insufficient to determine the role of this variant in disease. Therefore, it has been classified as a Variant of Uncertain Significance.